The following is an entry in ClinVar:

ClinVar aggregate classification (germline): Uncertain significance. Review status: criteria provided, multiple submitters, no conflicts (2 of 4 stars). 2 submissions from 2 submitters: Uncertain significance (2). Last evaluated 2025-12-27.

Conditions:
Inborn genetic diseases. Identifiers: MedGen C0950123, MeSH D030342.
Charcot-Marie-Tooth disease axonal type 2P. Also called: CHARCOT-MARIE-TOOTH DISEASE, AXONAL, TYPE 2G; CMT 2G; Charcot-Marie-Tooth Neuropathy Type 2G; CHARCOT-MARIE-TOOTH NEUROPATHY, TYPE 2P. Identifiers: Orphanet 300319, Orphanet 99941, MedGen C3280797, MONDO:0013753, OMIM 614436.

Allele frequency attached by ClinVar (database versions not stated): gnomAD exomes 0.00002 and 0.00004; TOPMed 0.00003; ExAC 0.00004; gnomAD 0.00004.
gnomAD v4.1: 31 of 1,614,092 alleles (0.0019%); highest among the groups gnomAD compares: Admixed American, 0.012%; no homozygotes.

Submissions (2):

Labcorp Genetics (formerly Invitae), Labcorp
Classification: Uncertain significance for Charcot-Marie-Tooth disease axonal type 2P. Last evaluated: 2025-12-27. Review status: criteria provided, single submitter. Criteria: Invitae Variant Classification Sherloc (09022015). Collection method: clinical testing. Allele origin: germline.
Comment: This sequence change replaces arginine, which is basic and polar, with glutamine, which is neutral and polar, at codon 338 of the LRSAM1 protein (p.Arg338Gln). This variant is present in population databases (rs762000052, gnomAD 0.02%). This variant has not been reported in the literature in individuals affected with LRSAM1-related conditions. ClinVar contains an entry for this variant (Variation ID: 539998). Invitae Evidence Modeling of protein sequence and biophysical properties (such as structural, functional, and spatial information, amino acid conservation, physicochemical variation, residue mobility, and thermodynamic stability) indicates that this missense variant is expected to disrupt LRSAM1 protein function with a positive predictive value of 80%. In summary, the available evidence is currently insufficient to determine the role of this variant in disease. Therefore, it has been classified as a Variant of Uncertain Significance.

Ambry Genetics
Classification: Uncertain significance for Inborn genetic diseases. Last evaluated: 2023-09-18. Review status: criteria provided, single submitter. Criteria: Ambry Variant Classification Scheme 2023. Collection method: clinical testing. Allele origin: germline.
Comment: Unlikely to be causative of LRSAM1-related Charcot-Marie-Tooth disease, type 2 (AD) Based on insufficient or conflicting evidence, the clinical significance of this alteration remains unclear.

NM_001005373.4(LRSAM1):c.1013G>A (p.Arg338Gln)

Gene: LRSAM1 (leucine rich repeat and sterile alpha motif containing 1; plus strand). Cytogenetic location: 9q33.3.
Variant type: single nucleotide variant.
Coding change: c.1013G>A on transcript NM_001005373.4 (MANE Select); coding-DNA position 1013, G replaced by A.
Protein change: p.Arg338Gln; replaces arginine 338 with glutamine.
Molecular consequence: missense variant. On other transcripts: non-coding transcript variant (2).
Genome position (GRCh38, 1-based): chr9:127,479,948, G>A. VCF-style: chr9-127479948-G-A. GRCh37 (hg19) VCF-style: chr9-130242227-G-A.
Other names: c.1013G>A, p.Arg338Gln (NM_001005374.4, NM_001190723.3, NM_001384142.1 and 2 more transcripts); c.224G>A, p.Arg75Gln (NM_001384144.1); c.1013G>A (NM_138361.4); short protein forms R338Q, R75Q.
Identifiers: ClinVar variation 539998 (VCV000539998.7), dbSNP rs762000052, ClinGen allele CA5246784.